The following is an entry in ClinVar:

NM_002496.4(NDUFS8):c.373-5C>T

Gene: NDUFS8 (NADH:ubiquinone oxidoreductase core subunit S8; plus strand). Cytogenetic location: 11q13.2.
Variant type: single nucleotide variant.
Coding change: c.373-5C>T on transcript NM_002496.4 (MANE Select); 5 bases into the intron before coding-DNA position 373, C replaced by T.
Molecular consequence: intron variant.
Genome position (GRCh38, 1-based): chr11:68,036,248, C>T. VCF-style: chr11-68036248-C-T. GRCh37 (hg19) VCF-style: chr11-67803715-C-T.
Other names: c.373-5C>T (NM_002496.3).
Identifiers: ClinVar variation 424985 (VCV000424985.44), dbSNP rs753246393, ClinGen allele CA6146509.

ClinVar aggregate classification (germline): Uncertain significance. Review status: criteria provided, single submitter (1 of 4 stars). 2 submissions from 2 submitters: Uncertain significance (1). 1 of the submissions does not count toward it. Last evaluated 2016-12-01.

Conditions:
NDUFS8-related disorder. Also called: NDUFS8-related condition.

Allele frequency attached by ClinVar (database versions not stated): gnomAD 0.00001; gnomAD exomes 0.00002 and 0.00003; ExAC 0.00003; TOPMed 0.00005.
gnomAD v4.1: 31 of 1,612,282 alleles (0.0019%); highest among the groups gnomAD compares: East Asian, 0.022%; no homozygotes.

Submissions (2):

CeGaT Center for Human Genetics Tuebingen
Classification: Uncertain significance. Last evaluated: 2016-12-01. Review status: criteria provided, single submitter. Criteria: CeGaT Center For Human Genetics Tuebingen Variant Classification Criteria Version 2. Collection method: clinical testing. Allele origin: germline. Affected: yes. Observed: 1 variant allele.

PreventionGenetics, part of Exact Sciences
Classification: Likely benign for NDUFS8-related condition. Last evaluated: 2020-08-03. Review status: no assertion criteria provided. Collection method: clinical testing. Allele origin: germline. Not counted in ClinVar's aggregate classification.
Comment: This variant is classified as likely benign based on ACMG/AMP sequence variant interpretation guidelines (Richards et al. 2015 PMID: 25741868, with internal and published modifications).